The following is an entry in ClinVar:

NM_001130987.2(DYSF):c.5763del (p.Val1922fs)

Gene: DYSF (dysferlin; plus strand). Cytogenetic location: 2p13.2.
Variant type: Deletion.
Coding change: c.5763del on transcript NM_001130987.2 (MANE Select); coding-DNA position 5763, one base deleted (A; older notation c.5763delA).
Protein change: p.Val1922fs; shifts the reading frame from valine 1922.
Molecular consequence: frameshift variant.
Genome position (GRCh38, 1-based): chr2:71,669,725, A deleted; the last of 2 consecutive A bases (chr2:71,669,724-71,669,725); deleting either gives the same sequence. VCF-style (leftmost placement, unchanged base first): chr2-71669723-CA-C. GRCh37 (hg19) VCF-style: chr2-71896853-CA-C.
Other names: c.5649del, p.Val1884fs (NM_001130455.2); c.5604del, p.Val1869fs (NM_001130976.2); c.5667del, p.Val1890fs (NM_001130977.2); c.5709del, p.Val1904fs (NM_001130978.2); c.5739del, p.Val1914fs (NM_001130979.2); c.5697del, p.Val1900fs (NM_001130980.2); c.5760del, p.Val1921fs (NM_001130981.2); c.5742del, p.Val1915fs (NM_001130982.2); and 5 more; short protein forms V1869fs, V1891fs, V1900fs, V1890fs, V1921fs, V1922fs, V1884fs, V1914fs.
Identifiers: ClinVar variation 501302 (VCV000501302.10), dbSNP rs1553416197, ClinGen allele CA658795803.

ClinVar aggregate classification (germline): Pathogenic/Likely pathogenic. Review status: criteria provided, multiple submitters, no conflicts (2 of 4 stars). 3 submissions from 3 submitters: Pathogenic (2); Likely pathogenic (1). Last evaluated 2024-04-22.

Conditions:
Neuromuscular disease caused by qualitative or quantitative defects of dysferlin. Also called: Dysferlinopathy; Qualitative or quantitative defects of dysferlin. Identifiers: Orphanet 207073, MedGen C2931687, MONDO:0016145.

Submissions (3):

Revvity Omics, Revvity
Classification: Likely pathogenic. Last evaluated: 2024-04-22. Review status: criteria provided, single submitter. Criteria: ACMG Guidelines, 2015. Collection method: clinical testing. Allele origin: germline.

Labcorp Genetics (formerly Invitae), Labcorp
Classification: Pathogenic for Neuromuscular disease caused by qualitative or quantitative defects of dysferlin. Last evaluated: 2023-08-30. Review status: criteria provided, single submitter. Criteria: Invitae Variant Classification Sherloc (09022015). Collection method: clinical testing. Allele origin: germline.
Comment: This variant has not been reported in the literature in individuals affected with DYSF-related conditions. For these reasons, this variant has been classified as Pathogenic. ClinVar contains an entry for this variant (Variation ID: 501302). This variant is not present in population databases (gnomAD no frequency). This sequence change creates a premature translational stop signal (p.Val1883Serfs*83) in the DYSF gene. It is expected to result in an absent or disrupted protein product. Loss-of-function variants in DYSF are known to be pathogenic (PMID: 17698709, 20301480).

Eurofins Ntd Llc (ga)
Classification: Pathogenic. Last evaluated: 2017-04-13. Review status: criteria provided, single submitter. Criteria: EGL Classification Definitions 2015. Collection method: clinical testing. Allele origin: germline. Observed: 1 variant allele, 1 homozygote.

Literature cited by the submitters: PubMed 17698709 (cited by Labcorp Genetics (formerly Invitae), Labcorp); PubMed 20301480 (cited by Labcorp Genetics (formerly Invitae), Labcorp).